The following is an entry in ClinVar:

ClinVar aggregate classification (germline): Benign. Review status: criteria provided, multiple submitters, no conflicts (2 of 4 stars). 4 submissions from 4 submitters: Benign (4). Last evaluated 2026-01-29.

Conditions:
Ichthyosis linearis circumflexa. Identifiers: MedGen C0265962, MONDO:0043106, HP:0025810.
Netherton syndrome (NETH). Also called: ERYTHRODERMA, ICHTHYOSIFORM, WITH HYPOTRICHOSIS AND HYPER-IgE; COMEL-NETHERTON SYNDROME; NETHERTON DISEASE. Identifiers: Orphanet 634, MedGen C5574950, MONDO:0009735, OMIM 256500.

Allele frequency attached by ClinVar (database versions not stated): gnomAD exomes 0.00094 and 0.00244; gnomAD 0.01067 and 0.00981; TOPMed 0.01112; ExAC 0.00282; 1000 Genomes Project 0.00799; ESP Exome Variant Server 0.00831; 1000 Genomes Project 30x 0.00890.

Submissions (4):

Women's Health and Genetics/Laboratory Corporation of America, LabCorp
Classification: Benign. Last evaluated: 2026-01-29. Review status: criteria provided, single submitter. Criteria: LabCorp Variant Classification Summary - May 2015. Collection method: clinical testing. Allele origin: germline.
Comment: Variant summary: SPINK5 c.1552C>T (p.Arg518Cys) results in a non-conservative amino acid change in the encoded protein sequence. Algorithms developed to predict the effect of missense changes on protein structure and function are either unavailable or do not agree on the potential impact of this missense change. The variant allele was found at a frequency of 0.0024 in 249520 control chromosomes, predominantly at a frequency of 0.034 within the African or African-American subpopulation in the gnomAD database, including 10 homozygotes. The observed variant frequency within African or African-American control individuals in the gnomAD database exceeds the estimated maximal expected allele frequency for disease-causing variants in SPINK5. To our knowledge, no occurrence of c.1552C>T in individuals affected with SPINK5-related conditions and no experimental evidence demonstrating its impact on protein function have been reported. ClinVar contains an entry for this variant (Variation ID: 139260). Based on the evidence outlined above, the variant was classified as benign.

Labcorp Genetics (formerly Invitae), Labcorp
Classification: Benign for Ichthyosis linearis circumflexa. Last evaluated: 2026-01-26. Review status: criteria provided, single submitter. Criteria: Invitae Variant Classification Sherloc (09022015). Collection method: clinical testing. Allele origin: germline.

Illumina Laboratory Services, Illumina
Classification: Benign for Netherton syndrome. Last evaluated: 2018-01-13. Review status: criteria provided, single submitter. Criteria: ICSL Variant Classification Criteria 13 December 2019. Collection method: clinical testing. Allele origin: germline.
Comment: This variant was observed in the ICSL laboratory as part of a predisposition screen in an ostensibly healthy population. It had not been previously curated by ICSL or reported in the Human Gene Mutation Database (HGMD: prior to June 1st, 2018), and was therefore a candidate for classification through an automated scoring system. Utilizing variant allele frequency, disease prevalence and penetrance estimates, and inheritance mode, an automated score was calculated to assess if this variant is too frequent to cause the disease. Based on the score and internal cut-off values, a variant classified as benign is not then subjected to further curation. The score for this variant resulted in a classification of benign for this disease.

GeneDx
Classification: Benign. Last evaluated: 2014-05-27. Review status: criteria provided, single submitter. Criteria: GeneDx Variant Classification (06012015). Collection method: clinical testing. Allele origin: germline. Affected: yes.
Comment: This variant is considered likely benign or benign based on one or more of the following criteria: it is a conservative change, it occurs at a poorly conserved position in the protein, it is predicted to be benign by multiple in silico algorithms, and/or has population frequency not consistent with disease.

NM_006846.4(SPINK5):c.1552C>T (p.Arg518Cys)

Gene: SPINK5 (serine peptidase inhibitor Kazal type 5; plus strand). Cytogenetic location: 5q32.
Variant type: single nucleotide variant.
Coding change: c.1552C>T on transcript NM_006846.4 (MANE Select); coding-DNA position 1552, C replaced by T.
Protein change: p.Arg518Cys; replaces arginine 518 with cysteine.
Molecular consequence: missense variant.
Genome position (GRCh38, 1-based): chr5:148,107,109, C>T. VCF-style: chr5-148107109-C-T. GRCh37 (hg19) VCF-style: chr5-147486672-C-T.
Other names: p.R518C:CGT>TGT; c.1552C>T, p.Arg518Cys (NM_001127698.2, NM_001127699.2); short protein forms R518C.
Identifiers: ClinVar variation 139260 (VCV000139260.16), dbSNP rs115504632, ClinGen allele CA293702.